The following is an entry in ClinVar:

NM_025137.4(SPG11):c.7253A>G (p.His2418Arg)

Gene: SPG11 (SPG11 vesicle trafficking associated, spatacsin; minus strand). Cytogenetic location: 15q21.1.
Variant type: single nucleotide variant.
Coding change: c.7253A>G on transcript NM_025137.4 (MANE Select); coding-DNA position 7253, A replaced by G.
Protein change: p.His2418Arg; replaces histidine 2418 with arginine.
Molecular consequence: missense variant.
Genome position (GRCh38, 1-based): chr15:44,563,200, T>C on the plus strand (A>G on the coding strand, the complement: SPG11 is on the minus strand). VCF-style: chr15-44563200-T-C. GRCh37 (hg19) VCF-style: chr15-44855398-T-C.
Other names: c.6914A>G, p.His2305Arg (NM_001160227.2); short protein forms H2418R, H2305R.
Identifiers: ClinVar variation 466568 (VCV000466568.6), dbSNP rs1555445707, ClinGen allele CA392210258.
Genomic context (GRCh38, chr15:44,563,200, plus strand): 5'-TTTAGACAGCAACCTGTCTGAGGGTCCTTCAGAAGCACATTTACAATTTCATAAAACTTG[T>C]GTTCGTATGCCAACTTGTAATACAGGTAAACATCTTCACAATATGTGAGTAATTTCTTCA-3'
Protein context (NP_079413.3, residues 2408-2428): VYLYYKLAYE[His2418Arg]KFYEIVNVLL

ClinVar aggregate classification (germline): Uncertain significance. Review status: criteria provided, multiple submitters, no conflicts (2 of 4 stars). 2 submissions from 2 submitters: Uncertain significance (2). Last evaluated 2021-08-28.

Conditions:
Hereditary spastic paraplegia 11. Also called: SPASTIC PARAPLEGIA, AUTOSOMAL RECESSIVE, COMPLICATED, WITH THIN CORPUS CALLOSUM; SPASTIC PARAPLEGIA, AUTOSOMAL RECESSIVE, WITH MENTAL IMPAIRMENT AND THIN CORPUS CALLOSUM; Nakamura Osame syndrome; Autosomal recessive hereditary spastic paraplegia, mental impairment, and thin corpus callosum; Spastic paraplegia, mental retardation and thin corpus callosum; Spastic Paraplegia 11. Identifiers: Orphanet 2822, MedGen C1858479, MONDO:0011445, OMIM 604360.

Submissions (2):

Labcorp Genetics (formerly Invitae), Labcorp
Classification: Uncertain significance for Hereditary spastic paraplegia 11. Last evaluated: 2021-08-28. Review status: criteria provided, single submitter. Criteria: Invitae Variant Classification Sherloc (09022015). Collection method: clinical testing. Allele origin: germline.
Comment: This sequence change replaces histidine with arginine at codon 2418 of the SPG11 protein (p.His2418Arg). The histidine residue is moderately conserved and there is a small physicochemical difference between histidine and arginine. This variant is not present in population databases (ExAC no frequency). This variant has not been reported in the literature in individuals affected with SPG11-related conditions. Algorithms developed to predict the effect of missense changes on protein structure and function are either unavailable or do not agree on the potential impact of this missense change (SIFT: "Tolerated"; PolyPhen-2: "Possibly Damaging"; Align-GVGD: "Class C0"). In summary, the available evidence is currently insufficient to determine the role of this variant in disease. Therefore, it has been classified as a Variant of Uncertain Significance.

Neuberg Centre For Genomic Medicine, NCGM
Classification: Uncertain significance for Hereditary spastic paraplegia 11. Review status: criteria provided, single submitter. Criteria: ACMG Guidelines, 2015. Collection method: clinical testing. Allele origin: germline. Inheritance: Autosomal recessive inheritance. Affected: yes.
Comment: The missense c.7253A>G(p.His2418Arg) variant in SPG11 gene has not been reported previously as a pathogenic variant nor a benign variant, to our knowledge. The p.His2418Arg variant is novel (not in any individuals) in both gnomAD Exomes and 1000 Genomes databases. This variant has been reported to the ClinVar database as Uncertain Significance. he amino acid change p.His2418Arg in SPG11 is predicted as conserved by GERP++ and PhyloP across 100 vertebrates. The amino acid His at position 2418 is changed to a Arg changing protein sequence and it might alter its composition and physico-chemical properties. For these reasons, this variant has been classified as a Variant of Uncertain Significance (VUS).